The following is an entry in ClinVar:

NM_004863.4(SPTLC2):c.*5799C>T

Gene: SPTLC2 (serine palmitoyltransferase long chain base subunit 2; minus strand). Cytogenetic location: 14q24.3.
Variant type: single nucleotide variant.
Coding change: c.*5799C>T on transcript NM_004863.4 (MANE Select); 5799 bases downstream of the stop codon, C replaced by T.
Molecular consequence: 3 prime UTR variant.
Genome position (GRCh38, 1-based): chr14:77,506,485, G>A on the plus strand (C>T on the coding strand, the complement: SPTLC2 is on the minus strand). VCF-style: chr14-77506485-G-A. GRCh37 (hg19) VCF-style: chr14-77972828-G-A.
Identifiers: ClinVar variation 884871 (VCV000884871.4), dbSNP rs142817152, ClinGen allele CA263818034.

ClinVar aggregate classification (germline): Benign (1 of 4 stars; one submission).

Conditions:
Neuropathy, hereditary sensory and autonomic, type 1C. Also called: HSAN IC; HSN IC. Identifiers: Orphanet 36386, MedGen C3150896, MONDO:0013337, OMIM 613640.

Allele frequency attached by ClinVar (database versions not stated): gnomAD 0.00033 and 0.00036; TOPMed 0.00034; 1000 Genomes Project 30x 0.00062; 1000 Genomes Project 0.00080.

Submission:

Illumina Laboratory Services, Illumina
Classification: Benign for Neuropathy, hereditary sensory and autonomic, type 1C. Last evaluated: 2018-01-13. Review status: criteria provided, single submitter. Criteria: ICSL Variant Classification Criteria 13 December 2019. Collection method: clinical testing. Allele origin: germline.
Comment: This variant was observed in the ICSL laboratory as part of a predisposition screen in an ostensibly healthy population. It had not been previously curated by ICSL or reported in the Human Gene Mutation Database (HGMD: prior to June 1st, 2018), and was therefore a candidate for classification through an automated scoring system. Utilizing variant allele frequency, disease prevalence and penetrance estimates, and inheritance mode, an automated score was calculated to assess if this variant is too frequent to cause the disease. Based on the score and internal cut-off values, a variant classified as benign is not then subjected to further curation. The score for this variant resulted in a classification of benign for this disease.